The following is an entry in ClinVar:

NM_000037.4(ANK1):c.5365G>A (p.Ala1789Thr)

Gene: ANK1 (ankyrin 1; minus strand). Cytogenetic location: 8p11.21.
Variant type: single nucleotide variant.
Coding change: c.5365G>A on transcript NM_000037.4 (MANE Select); coding-DNA position 5365, G replaced by A.
Protein change: p.Ala1789Thr; replaces alanine 1789 with threonine.
Molecular consequence: missense variant.
Genome position (GRCh38, 1-based): chr8:41,668,296, C>T on the plus strand (G>A on the coding strand, the complement: ANK1 is on the minus strand). VCF-style: chr8-41668296-C-T. GRCh37 (hg19) VCF-style: chr8-41525814-C-T.
Other names: c.5488G>A, p.Ala1830Thr (NM_001142446.2); c.5365G>A, p.Ala1789Thr (NM_020475.3, NM_020476.3); c.4879G>A, p.Ala1627Thr (NM_020477.3); short protein forms A1789T, A1830T, A1627T.
Identifiers: ClinVar variation 2287049 (VCV002287049.5), dbSNP rs753132695, ClinGen allele CA4727309.
Genomic context (GRCh38, chr8:41,668,296, plus strand): 5'-CAGCAGCACGCAGCTCCCCTCGGGCTCTCACCTGCACCACTTGGGTGAAGGTGTTCTTGG[C>T]CTCCTGCACCTGCTCTTCTTGGCCTTGCTGCCTCCGGTCCCTGTCGGCCTGGGAGCTCTC-3'
Protein context (NP_000028.3, residues 1779-1799): QQGQEEQVQE[Ala1789Thr]KNTFTQVVQG

ClinVar aggregate classification (germline): Uncertain significance. Review status: criteria provided, multiple submitters, no conflicts (2 of 4 stars). 2 submissions from 2 submitters: Uncertain significance (2). Last evaluated 2025-11-10.

Conditions:
Inborn genetic diseases. Identifiers: MedGen C0950123, MeSH D030342.

Allele frequency attached by ClinVar (database versions not stated): TOPMed 0.00002; gnomAD exomes 0.00001; ExAC 0.00001; gnomAD 0.00001.
gnomAD v4.1: 13 of 1,614,112 alleles (0.00081%); highest among the groups gnomAD compares: Admixed American, 0.0017%; no homozygotes.

Submissions (2):

Labcorp Genetics (formerly Invitae), Labcorp
Classification: Uncertain significance. Last evaluated: 2025-11-10. Review status: criteria provided, single submitter. Criteria: Invitae Variant Classification Sherloc (09022015). Collection method: clinical testing. Allele origin: germline.
Comment: This sequence change replaces alanine, which is neutral and non-polar, with threonine, which is neutral and polar, at codon 1789 of the ANK1 protein (p.Ala1789Thr). This variant is present in population databases (rs753132695, gnomAD 0.0009%). This variant has not been reported in the literature in individuals affected with ANK1-related conditions. ClinVar contains an entry for this variant (Variation ID: 2287049). Invitae Evidence Modeling of protein sequence and biophysical properties (such as structural, functional, and spatial information, amino acid conservation, physicochemical variation, residue mobility, and thermodynamic stability) indicates that this missense variant is not expected to disrupt ANK1 protein function with a negative predictive value of 80%. In summary, the available evidence is currently insufficient to determine the role of this variant in disease. Therefore, it has been classified as a Variant of Uncertain Significance.

Ambry Genetics
Classification: Uncertain significance for Inborn genetic diseases. Last evaluated: 2025-10-29. Review status: criteria provided, single submitter. Criteria: Ambry Variant Classification Scheme 2023. Collection method: clinical testing. Allele origin: germline.